The following is an entry in ClinVar:

ClinVar aggregate classification (germline): Uncertain significance. Review status: criteria provided, multiple submitters, no conflicts (2 of 4 stars). 3 submissions from 3 submitters: Uncertain significance (2). 1 of the submissions does not count toward it. Last evaluated 2026-01-20.

Conditions:
IGLL1-related condition.
Agammaglobulinemia 2, autosomal recessive (AGM2). Also called: AGAMMAGLOBULINEMIA, AUTOSOMAL RECESSIVE, DUE TO IGLL1 DEFECT. Identifiers: MedGen C3150750, MONDO:0013287, OMIM 613500.

Allele frequency attached by ClinVar (database versions not stated): ESP Exome Variant Server 0.00015; 1000 Genomes Project 30x 0.00016; 1000 Genomes Project 0.00020; gnomAD 0.00007 and 0.00009; gnomAD exomes 0.00011; ExAC 0.00013; TOPMed 0.00014.
gnomAD v4.1: 151 of 1,613,844 alleles (0.0094%); highest among the groups gnomAD compares: Middle Eastern, 0.05%; no homozygotes.

Submissions (3):

Labcorp Genetics (formerly Invitae), Labcorp
Classification: Uncertain significance for Agammaglobulinemia 2, autosomal recessive. Last evaluated: 2026-01-20. Review status: criteria provided, single submitter. Criteria: Invitae Variant Classification Sherloc (09022015). Collection method: clinical testing. Allele origin: germline.
Comment: This sequence change replaces aspartic acid, which is acidic and polar, with asparagine, which is neutral and polar, at codon 139 of the IGLL1 protein (p.Asp139Asn). This variant is present in population databases (rs374565313, gnomAD 0.02%). This variant has not been reported in the literature in individuals affected with IGLL1-related conditions. ClinVar contains an entry for this variant (Variation ID: 950995). An algorithm developed to predict the effect of missense changes on protein structure and function (PolyPhen-2) suggests that this variant is likely to be tolerated. In summary, the available evidence is currently insufficient to determine the role of this variant in disease. Therefore, it has been classified as a Variant of Uncertain Significance.

Ambry Genetics
Classification: Uncertain significance. Last evaluated: 2023-11-18. Review status: criteria provided, single submitter. Criteria: Ambry Variant Classification Scheme 2023. Collection method: clinical testing. Allele origin: germline.

PreventionGenetics, part of Exact Sciences
Classification: Uncertain significance for IGLL1-related condition. Last evaluated: 2024-09-15. Review status: no assertion criteria provided. Collection method: clinical testing. Allele origin: germline. Not counted in ClinVar's aggregate classification.
Comment: The IGLL1 c.415G>A variant is predicted to result in the amino acid substitution p.Asp139Asn. To our knowledge, this variant has not been reported in the literature. This variant is reported in 0.016% of alleles in individuals of South Asian descent in gnomAD. At this time, the clinical significance of this variant is uncertain due to the absence of conclusive functional and genetic evidence.

NM_020070.4(IGLL1):c.415G>A (p.Asp139Asn)

Gene: IGLL1 (immunoglobulin lambda like polypeptide 1; minus strand). Cytogenetic location: 22q11.23.
Variant type: single nucleotide variant.
Coding change: c.415G>A on transcript NM_020070.4 (MANE Select); coding-DNA position 415, G replaced by A.
Protein change: p.Asp139Asn; replaces aspartic acid 139 with asparagine.
Molecular consequence: missense variant. On other transcripts: 3 prime UTR variant (1).
Genome position (GRCh38, 1-based): chr22:23,573,493, C>T on the plus strand (G>A on the coding strand, the complement: IGLL1 is on the minus strand). VCF-style: chr22-23573493-C-T. GRCh37 (hg19) VCF-style: chr22-23915680-C-T.
Other names: c.418G>A, p.Asp140Asn (NM_001369906.1); c.*44G>A (NM_152855.3); c.415G>A (NM_020070.2); short protein forms D140N, D139N.
Identifiers: ClinVar variation 950995 (VCV000950995.10), dbSNP rs374565313, ClinGen allele CA10143282.
Genomic context (GRCh38, chr22:23,573,493, plus strand): 5'-CCTGGGTGATGGGGGTACCATCTGCCTTCCAGGTCACCGTCAAGATTCCCGGATAAAAGT[C>T]ATTCATGAGACACACCAGTGTAGCCTTGTTGGCTTGGAGCTCCTCAGAGGACGGCGGGAA-3'
Protein context (NP_064455.1, residues 129-149): NKATLVCLMN[Asp139Asn]FYPGILTVTW